The following is an entry in ClinVar:

ClinVar aggregate classification (germline): Uncertain significance. Review status: criteria provided, multiple submitters, no conflicts (2 of 4 stars). 3 submissions from 3 submitters: Uncertain significance (3). Last evaluated 2023-11-03.

Conditions:
Inborn genetic diseases. Identifiers: MedGen C0950123, MeSH D030342.
Short-rib thoracic dysplasia 13 with or without polydactyly (SRTD13). Identifiers: Orphanet 474, MedGen C4225378, MONDO:0014577, OMIM 616300.

Allele frequency attached by ClinVar (database versions not stated): gnomAD exomes 0.00002 and 0.00003; ExAC 0.00003; gnomAD 0.00006 and 0.00007; TOPMed 0.00006; 1000 Genomes Project 0.00020; 1000 Genomes Project 30x 0.00031.
gnomAD v4.1: 34 of 1,611,924 alleles (0.0021%); highest among the groups gnomAD compares: Admixed American, 0.05%; no homozygotes.

Submissions (3):

Ambry Genetics
Classification: Uncertain significance for Inborn genetic diseases. Last evaluated: 2023-11-03. Review status: criteria provided, single submitter. Criteria: Ambry Variant Classification Scheme 2023. Collection method: clinical testing. Allele origin: germline.

GeneDx
Classification: Uncertain significance. Last evaluated: 2022-09-14. Review status: criteria provided, single submitter. Criteria: GeneDx Variant Classification Process June 2021. Collection method: clinical testing. Allele origin: germline. Affected: yes.
Comment: In silico analysis supports that this missense variant does not alter protein structure/function; Has not been previously published as pathogenic or benign to our knowledge

Labcorp Genetics (formerly Invitae), Labcorp
Classification: Uncertain significance for Short-rib thoracic dysplasia 13 with or without polydactyly. Last evaluated: 2022-08-15. Review status: criteria provided, single submitter. Criteria: Invitae Variant Classification Sherloc (09022015). Collection method: clinical testing. Allele origin: germline.
Comment: This sequence change replaces lysine, which is basic and polar, with glutamic acid, which is acidic and polar, at codon 137 of the CEP120 protein (p.Lys137Glu). This variant is present in population databases (rs200983311, gnomAD 0.03%). This variant has not been reported in the literature in individuals affected with CEP120-related conditions. ClinVar contains an entry for this variant (Variation ID: 571693). Algorithms developed to predict the effect of missense changes on protein structure and function are either unavailable or do not agree on the potential impact of this missense change (SIFT: "Deleterious"; PolyPhen-2: "Possibly Damaging"; Align-GVGD: "Class C0"). Algorithms developed to predict the effect of sequence changes on RNA splicing suggest that this variant may create or strengthen a splice site. In summary, the available evidence is currently insufficient to determine the role of this variant in disease. Therefore, it has been classified as a Variant of Uncertain Significance.

NM_001375405.1(CEP120):c.409A>G (p.Lys137Glu)

Gene: CEP120 (centrosomal protein 120; minus strand). Cytogenetic location: 5q23.2.
Variant type: single nucleotide variant.
Coding change: c.409A>G on transcript NM_001375405.1 (MANE Select); coding-DNA position 409, A replaced by G.
Protein change: p.Lys137Glu; replaces lysine 137 with glutamic acid.
Molecular consequence: missense variant. On other transcripts: 5 prime UTR variant (2), non-coding transcript variant (1).
Genome position (GRCh38, 1-based): chr5:123,412,453, T>C on the plus strand (A>G on the coding strand, the complement: CEP120 is on the minus strand). VCF-style: chr5-123412453-T-C. GRCh37 (hg19) VCF-style: chr5-122748147-T-C.
Other names: c.331A>G, p.Lys111Glu (NM_001166226.2); c.409A>G, p.Lys137Glu (NM_001375406.1, NM_001375407.1, NM_153223.4); c.-340A>G (NM_001375408.1); c.-282A>G (NM_001375409.1); short protein forms K137E, K111E.
Identifiers: ClinVar variation 571693 (VCV000571693.7), dbSNP rs200983311, ClinGen allele CA3387255.